The following is an entry in ClinVar:

NM_032888.4(COL27A1):c.4584+2T>A

Gene: COL27A1 (collagen type XXVII alpha 1 chain; plus strand). Cytogenetic location: 9q32.
Variant type: single nucleotide variant.
Coding change: c.4584+2T>A on transcript NM_032888.4 (MANE Select); the canonical splice donor site of the intron after coding-DNA position 4584, T replaced by A.
Molecular consequence: splice donor variant.
Genome position (GRCh38, 1-based): chr9:114,292,212, T>A. VCF-style: chr9-114292212-T-A. GRCh37 (hg19) VCF-style: chr9-117054492-T-A.
Identifiers: ClinVar variation 2833576 (VCV002833576.3), dbSNP rs2490300278, ClinGen allele CA374590598.

ClinVar aggregate classification (germline): Likely pathogenic (1 of 4 stars; one submission).

Submission:

Labcorp Genetics (formerly Invitae), Labcorp
Classification: Likely pathogenic. Last evaluated: 2023-02-03. Review status: criteria provided, single submitter. Criteria: Invitae Variant Classification Sherloc (09022015). Collection method: clinical testing. Allele origin: germline.
Comment: This sequence change affects a donor splice site in intron 49 of the COL27A1 gene. It is expected to disrupt RNA splicing. Variants that disrupt the donor or acceptor splice site typically lead to a loss of protein function (PMID: 16199547), and loss-of-function variants in COL27A1 are known to be pathogenic (PMID: 24986830, 28276056). This variant is not present in population databases (gnomAD no frequency). This variant has not been reported in the literature in individuals affected with COL27A1-related conditions. Algorithms developed to predict the effect of sequence changes on RNA splicing suggest that this variant may disrupt the consensus splice site. In summary, the currently available evidence indicates that the variant is pathogenic, but additional data are needed to prove that conclusively. Therefore, this variant has been classified as Likely Pathogenic.

Literature cited by the submitters: PubMed 16199547; PubMed 24986830; PubMed 28276056.